The following is an entry in ClinVar:

NM_001394062.1(MACF1):c.647C>T (p.Ser216Phe)

Gene: MACF1 (microtubule actin crosslinking factor 1; plus strand). Cytogenetic location: 1p34.3.
Variant type: single nucleotide variant.
Coding change: c.647C>T on transcript NM_001394062.1 (MANE Select); coding-DNA position 647, C replaced by T.
Protein change: p.Ser216Phe; replaces serine 216 with phenylalanine.
Molecular consequence: missense variant.
Genome position (GRCh38, 1-based): chr1:39,282,326, C>T. VCF-style: chr1-39282326-C-T. GRCh37 (hg19) VCF-style: chr1-39747998-C-T.
Other names: c.662C>T, p.Ser221Phe (NM_012090.5); short protein forms S216F, S221F.
Identifiers: ClinVar variation 1714791 (VCV001714791.5), dbSNP rs2523104115, ClinGen allele CA339750809.

ClinVar aggregate classification (germline): Uncertain significance (1 of 4 stars; one submission).

Submission:

Labcorp Genetics (formerly Invitae), Labcorp
Classification: Uncertain significance. Last evaluated: 2022-08-02. Review status: criteria provided, single submitter. Criteria: Invitae Variant Classification Sherloc (09022015). Collection method: clinical testing. Allele origin: germline.
Comment: In summary, the available evidence is currently insufficient to determine the role of this variant in disease. Therefore, it has been classified as a Variant of Uncertain Significance. Algorithms developed to predict the effect of missense changes on protein structure and function (SIFT, PolyPhen-2, Align-GVGD) all suggest that this variant is likely to be disruptive. This variant has not been reported in the literature in individuals affected with MACF1-related conditions. This variant is not present in population databases (gnomAD no frequency). This sequence change replaces serine, which is neutral and polar, with phenylalanine, which is neutral and non-polar, at codon 221 of the MACF1 protein (p.Ser221Phe).